The following is an entry in ClinVar:

ClinVar aggregate classification (germline): Uncertain significance (1 of 4 stars; one submission).

gnomAD v4.1: 7 of 1,583,830 alleles (0.00044%); highest among the groups gnomAD compares: Non-Finnish European, 0.0006%; no homozygotes.

Submission:

Labcorp Genetics (formerly Invitae), Labcorp
Classification: Uncertain significance. Last evaluated: 2025-05-12. Review status: criteria provided, single submitter. Criteria: Invitae Variant Classification Sherloc (09022015). Collection method: clinical testing. Allele origin: germline.
Comment: This sequence change replaces proline, which is neutral and non-polar, with alanine, which is neutral and non-polar, at codon 425 of the PRDM13 protein (p.Pro425Ala). This variant is present in population databases (rs776956908, gnomAD 0.002%). This variant has not been reported in the literature in individuals affected with PRDM13-related conditions. ClinVar contains an entry for this variant (Variation ID: 1473297). An algorithm developed to predict the effect of missense changes on protein structure and function outputs the following: PolyPhen-2: "Benign". The alanine amino acid residue is found in multiple mammalian species, which suggests that this missense change does not adversely affect protein function. In summary, the available evidence is currently insufficient to determine the role of this variant in disease. Therefore, it has been classified as a Variant of Uncertain Significance.

NM_021620.4(PRDM13):c.1273C>G (p.Pro425Ala)

Gene: PRDM13 (PR/SET domain 13; plus strand). Cytogenetic location: 6q16.2.
Variant type: single nucleotide variant.
Coding change: c.1273C>G on transcript NM_021620.4 (MANE Select); coding-DNA position 1273, C replaced by G.
Protein change: p.Pro425Ala; replaces proline 425 with alanine.
Molecular consequence: missense variant.
Genome position (GRCh38, 1-based): chr6:99,613,908, C>G. VCF-style: chr6-99613908-C-G. GRCh37 (hg19) VCF-style: chr6-100061784-C-G.
Other names: short protein forms P425A.
Identifiers: ClinVar variation 1473297 (VCV001473297.8), dbSNP rs776956908, ClinGen allele CA3936340.